The following is an entry in ClinVar:

ClinVar aggregate classification (germline): Pathogenic (1 of 4 stars; one submission).

Conditions:
Multiple endocrine neoplasia, type 1 (MEN1). Also called: MEA I; MEN I; WERMER SYNDROME; Endocrine adenomatosis multiple; MEN 1. Identifiers: Orphanet 652, MedGen C0025267, MeSH D018761, MONDO:0007540, OMIM 131100.

Submission:

Labcorp Genetics (formerly Invitae), Labcorp
Classification: Pathogenic for Multiple endocrine neoplasia, type 1. Last evaluated: 2025-09-02. Review status: criteria provided, single submitter. Criteria: Invitae Variant Classification Sherloc (09022015). Collection method: clinical testing. Allele origin: germline.
Comment: This sequence change replaces glutamine, which is neutral and polar, with leucine, which is neutral and non-polar, at codon 141 of the MEN1 protein (p.Gln141Leu). This variant is not present in population databases (gnomAD no frequency). This missense change has been observed in individual(s) with clinical features of multiple endocrine neoplasia type 1 (MEN1) (internal data). ClinVar contains an entry for this variant (Variation ID: 2795917). Invitae Evidence Modeling of protein sequence and biophysical properties (such as structural, functional, and spatial information, amino acid conservation, physicochemical variation, residue mobility, and thermodynamic stability) indicates that this missense variant is expected to disrupt MEN1 protein function with a positive predictive value of 95%. For these reasons, this variant has been classified as Pathogenic.

NM_001370259.2(MEN1):c.422A>T (p.Gln141Leu)

Gene: MEN1 (menin 1; minus strand). Cytogenetic location: 11q13.1.
Variant type: single nucleotide variant.
Coding change: c.422A>T on transcript NM_001370259.2 (MANE Select); coding-DNA position 422, A replaced by T.
Protein change: p.Gln141Leu; replaces glutamine 141 with leucine.
Molecular consequence: missense variant. On other transcripts: non-coding transcript variant (4).
Genome position (GRCh38, 1-based): chr11:64,809,688, T>A on the plus strand (A>T on the coding strand, the complement: MEN1 is on the minus strand). VCF-style: chr11-64809688-T-A. GRCh37 (hg19) VCF-style: chr11-64577160-T-A.
Other names: c.422A>T, p.Gln141Leu (NM_000244.4, NM_001370251.2, NM_001370260.2 and 20 more transcripts); short protein forms Q141L.
Identifiers: ClinVar variation 2795917 (VCV002795917.3), dbSNP rs758846538, ClinGen allele CA381186753.